The following is an entry in ClinVar:

NM_017780.4(CHD7):c.1968G>A (p.Pro656=)

Genes: CHD7 (chromodomain helicase DNA binding protein 7; plus strand), LOC126860403 (CDK7 strongly-dependent group 2 enhancer GRCh37_chr8:61693034-61694233; plus strand). Cytogenetic location: 8q12.2.
Variant type: single nucleotide variant.
Coding change: c.1968G>A on transcript NM_017780.4 (MANE Select); coding-DNA position 1968, G replaced by A.
Protein change: p.Pro656=; no amino-acid change (proline 656 retained).
Molecular consequence: synonymous variant. On other transcripts: intron variant (1).
Genome position (GRCh38, 1-based): chr8:60,781,302, G>A. VCF-style: chr8-60781302-G-A. GRCh37 (hg19) VCF-style: chr8-61693861-G-A.
Other names: c.1716+252G>A (NM_001316690.1).
Identifiers: ClinVar variation 589565 (VCV000589565.33), dbSNP rs569213080, ClinGen allele CA4759594.
Genomic context (GRCh38, chr8:60,781,302, plus strand): 5'-GTCCCAAGAAGAAAAAAAGAAAAAGAAAAGGTCAAAGGCAAAAAAAGACCCGAAGGAACC[G>A]AAAGAACCCAAGGAGAAAAAAGAGCCCAAGGAACCCAAGACCCCGAAAGCCCCTAAGATT-3'
Protein context (NP_060250.2, residues 646-666): RSKAKKDPKE[Pro656=]KEPKEKKEPK

ClinVar aggregate classification (germline): Likely benign. Review status: criteria provided, multiple submitters, no conflicts (2 of 4 stars). 4 submissions from 4 submitters: Likely benign (4). Last evaluated 2026-01-26.

Conditions:
Inborn genetic diseases. Identifiers: MedGen C0950123, MeSH D030342.
CHARGE syndrome (CHARGE). Also called: Coloboma, heart anomaly, choanal atresia, retardation, genital and ear anomalies; CHARGE association; Hall-Hittner syndrome; Hittner Hirsch Kreh syndrome; CHARGE ASSOCIATION--COLOBOMA, HEART ANOMALY, CHOANAL ATRESIA, RETARDATION, GENITAL AND EAR ANOMALIES. Identifiers: Orphanet 138, MedGen C0265354, MONDO:0008965.

Allele frequency attached by ClinVar (database versions not stated): gnomAD exomes below 0.00001 and 0.00003; TOPMed below 0.00001; gnomAD 0.00001; ExAC 0.00010; 1000 Genomes Project 30x 0.00016; 1000 Genomes Project 0.00020.
gnomAD v4.1: 7 of 1,566,404 alleles (0.00045%); highest among the groups gnomAD compares: East Asian, 0.0024%; no homozygotes.

Submissions (4):

Labcorp Genetics (formerly Invitae), Labcorp
Classification: Likely benign for CHARGE syndrome. Last evaluated: 2026-01-26. Review status: criteria provided, single submitter. Criteria: Invitae Variant Classification Sherloc (09022015). Collection method: clinical testing. Allele origin: germline.

Blueprint Genetics
Classification: Likely benign. Last evaluated: 2024-08-07. Review status: criteria provided, single submitter. Criteria: ACMG Guidelines, 2015. Collection method: clinical testing. Allele origin: germline.

CeGaT Center for Human Genetics Tuebingen
Classification: Likely benign. Last evaluated: 2024-07-01. Review status: criteria provided, single submitter. Criteria: CeGaT Center For Human Genetics Tuebingen Variant Classification Criteria Version 2. Collection method: clinical testing. Allele origin: germline. Affected: yes. Observed: 1 variant allele.
Comment: CHD7: BP4

Ambry Genetics
Classification: Likely benign for Inborn genetic diseases. Last evaluated: 2017-03-21. Review status: criteria provided, single submitter. Criteria: Ambry Variant Classification Scheme 2023. Collection method: clinical testing. Allele origin: germline.